The following is an entry in ClinVar:

NM_001081.4(CUBN):c.1553T>C (p.Phe518Ser)

Gene: CUBN (cubilin; minus strand). Cytogenetic location: 10p13.
Variant type: single nucleotide variant.
Coding change: c.1553T>C on transcript NM_001081.4 (MANE Select); coding-DNA position 1553, T replaced by C.
Protein change: p.Phe518Ser; replaces phenylalanine 518 with serine.
Molecular consequence: missense variant.
Genome position (GRCh38, 1-based): chr10:17,100,217, A>G on the plus strand (T>C on the coding strand, the complement: CUBN is on the minus strand). VCF-style: chr10-17100217-A-G. GRCh37 (hg19) VCF-style: chr10-17142216-A-G.
Other names: short protein forms F518S.
Identifiers: ClinVar variation 1036939 (VCV001036939.9), dbSNP rs2131296213, ClinGen allele CA376158331.
Genomic context (GRCh38, chr10:17,100,217, plus strand): 5'-TCTCCATCATAAACCTGAAGAAACTCGTGTGGACAGTTGTCCATGGATTCTAACCGGAAA[A>G]AAGTGAAAGTGATACGCAGGACCTAAAAATACAAAGGCCACATATATTATCTTTTACTTC-3'
Protein context (NP_001072.2, residues 508-528): MGKVLRITFT[Phe518Ser]FRLESMDNCP

ClinVar aggregate classification (germline): Uncertain significance (1 of 4 stars; one submission).

Conditions:
Imerslund-Grasbeck syndrome. Also called: Megaloblastic anemia due to inborn errors of metabolism; ENTEROCYTE COBALAMIN MALABSORPTION; ENTEROCYTE INTRINSIC FACTOR RECEPTOR, DEFECT OF; Imerslund-Gräsbeck syndrome; PERNICIOUS ANEMIA, JUVENILE, DUE TO SELECTIVE INTESTINAL MALABSORPTION OF VITAMIN B12, WITH PROTEINURIA. Identifiers: Orphanet 35858, MedGen C4551825, MONDO:0009853.

Submission:

Labcorp Genetics (formerly Invitae), Labcorp
Classification: Uncertain significance for Imerslund-Grasbeck syndrome. Last evaluated: 2022-03-29. Review status: criteria provided, single submitter. Criteria: Invitae Variant Classification Sherloc (09022015). Collection method: clinical testing. Allele origin: germline.
Comment: This variant has not been reported in the literature in individuals affected with CUBN-related conditions. ClinVar contains an entry for this variant (Variation ID: 1036939). Algorithms developed to predict the effect of missense changes on protein structure and function (SIFT, PolyPhen-2, Align-GVGD) all suggest that this variant is likely to be tolerated. Algorithms developed to predict the effect of sequence changes on RNA splicing suggest that this variant may disrupt the consensus splice site. In summary, the available evidence is currently insufficient to determine the role of this variant in disease. Therefore, it has been classified as a Variant of Uncertain Significance. This variant is not present in population databases (gnomAD no frequency). This sequence change replaces phenylalanine, which is neutral and non-polar, with serine, which is neutral and polar, at codon 518 of the CUBN protein (p.Phe518Ser).